The following is an entry in ClinVar:

NM_058216.3(RAD51C):c.601C>G (p.Leu201Val)

Genes: RAD51C (RAD51 paralog C; plus strand), LOC129390903 (MPRA-validated peak2919 silencer; plus strand). Cytogenetic location: 17q22.
Variant type: single nucleotide variant.
Coding change: c.601C>G on transcript NM_058216.3 (MANE Select); coding-DNA position 601, C replaced by G.
Protein change: p.Leu201Val; replaces leucine 201 with valine.
Molecular consequence: missense variant. On other transcripts: non-coding transcript variant (1).
Genome position (GRCh38, 1-based): chr17:58,703,225, C>G. VCF-style: chr17-58703225-C-G. GRCh37 (hg19) VCF-style: chr17-56780586-C-G.
Other names: short protein forms L201V.
Identifiers: ClinVar variation 496506 (VCV000496506.26), dbSNP rs531838785, ClinGen allele CA8677280.
Genomic context (GRCh38, chr17:58,703,225, plus strand): 5'-AAAACTAATTAAGAGTGTTTTGTTGTTTCAGAACACCGAAAAGCTTTGGAGGATTTCACT[C>G]TTGATAATATTCTTTCTCATATTTATTATTTTCGCTGTCGTGACTACACAGAGTTACTGG-3'
Protein context (NP_478123.1, residues 191-211): EHRKALEDFT[Leu201Val]DNILSHIYYF

ClinVar aggregate classification (germline): Conflicting classifications of pathogenicity. Review status: criteria provided, conflicting classifications (1 of 4 stars). 9 submissions from 8 submitters: Uncertain significance (8); Likely benign (1). Last evaluated 2025-03-12.

Conditions:
Hereditary breast ovarian cancer syndrome. Also called: Hereditary breast and ovarian cancer syndrome (HBOC); Breast and ovarian cancer; Hereditary breast and ovarian cancer; BRCA1- and BRCA2-Associated Hereditary Breast and Ovarian Cancer; Hereditary breast and/or ovarian cancer syndrome; Hereditary breast and ovarian cancer syndrome. Identifiers: Orphanet 145, MedGen C0677776, MeSH D061325, MONDO:0003582. Disease mechanism: loss of function.
Hereditary cancer-predisposing syndrome. Also called: Tumor predisposition; Hereditary neoplastic syndrome; Neoplastic Syndromes, Hereditary; Hereditary Cancer Syndrome. Identifiers: Orphanet 140162, MedGen C0027672, MeSH D009386, MONDO:0015356.
Fanconi anemia complementation group O. Also called: RAD51C-Related Fanconi Anemia. Identifiers: Orphanet 84, MedGen C3150653, MONDO:0013248, OMIM 613390.
Breast-ovarian cancer, familial, susceptibility to, 3. Also called: RAD51C-Related Breast/Ovarian Cancer. Identifiers: Orphanet 145, MedGen C3150659, MONDO:0013253, OMIM 613399.

Allele frequency attached by ClinVar (database versions not stated): TOPMed below 0.00001; gnomAD 0.00001; gnomAD exomes 0.00001; ExAC 0.00002; 1000 Genomes Project 30x 0.00016; 1000 Genomes Project 0.00020.
gnomAD v4.1: 7 of 1,610,452 alleles (0.00043%); highest among the groups gnomAD compares: South Asian, 0.0022%; no homozygotes.

Submissions (9):

Labcorp Genetics (formerly Invitae), Labcorp
Classification: Uncertain significance for Fanconi anemia complementation group O. Last evaluated: 2025-03-12. Review status: criteria provided, single submitter. Criteria: Invitae Variant Classification Sherloc (09022015). Collection method: clinical testing. Allele origin: germline.
Comment: This sequence change replaces leucine, which is neutral and non-polar, with valine, which is neutral and non-polar, at codon 201 of the RAD51C protein (p.Leu201Val). This variant is present in population databases (rs531838785, gnomAD 0.03%). This missense change has been observed in individual(s) with breast cancer and unspecified cancer (PMID: 26976419, 28873162). ClinVar contains an entry for this variant (Variation ID: 496506). Invitae Evidence Modeling of protein sequence and biophysical properties (such as structural, functional, and spatial information, amino acid conservation, physicochemical variation, residue mobility, and thermodynamic stability) indicates that this missense variant is not expected to disrupt RAD51C protein function with a negative predictive value of 80%. In summary, the available evidence is currently insufficient to determine the role of this variant in disease. Therefore, it has been classified as a Variant of Uncertain Significance.

Baylor Genetics
Classification: Uncertain significance for Breast-ovarian cancer, familial, susceptibility to, 3. Last evaluated: 2024-02-28. Review status: criteria provided, single submitter. Criteria: ACMG Guidelines, 2015. Collection method: clinical testing. Allele origin: unknown.

Ambry Genetics
Classification: Likely benign for Hereditary cancer-predisposing syndrome. Last evaluated: 2024-01-29. Review status: criteria provided, single submitter. Criteria: Ambry Variant Classification Scheme 2023. Collection method: clinical testing. Allele origin: germline.

Institute for Biomarker Research, Medical Diagnostic Laboratories, L.L.C.
Classification: Uncertain significance for Hereditary breast ovarian cancer syndrome. Last evaluated: 2023-12-12. Review status: criteria provided, single submitter. Criteria: ACMG Guidelines, 2015. Collection method: clinical testing. Allele origin: germline.

Color Diagnostics, LLC DBA Color Health
Classification: Uncertain significance for Hereditary cancer-predisposing syndrome. Last evaluated: 2023-12-06. Review status: criteria provided, single submitter. Criteria: ACMG Guidelines, 2015. Collection method: clinical testing. Allele origin: germline.
Comment: This missense variant replaces leucine with valine at codon 201 of the RAD51C protein. Computational prediction suggests that this variant may not impact protein structure and function. To our knowledge, functional studies have not been reported for this variant. This variant has been observed in an individual affected with breast cancer (PMID: 26976419) and with unspecified advanced cancer (PMID: 28873162). This variant has been identified in 3/251262 chromosomes in the general population by the Genome Aggregation Database (gnomAD). The available evidence is insufficient to determine the role of this variant in disease conclusively. Therefore, this variant is classified as a Variant of Uncertain Significance.

GeneDx
Classification: Uncertain significance. Last evaluated: 2022-04-07. Review status: criteria provided, single submitter. Criteria: GeneDx Variant Classification Process June 2021. Collection method: clinical testing. Allele origin: germline. Affected: yes.
Comment: Not observed at significant frequency in large population cohorts (gnomAD); In silico analysis supports that this missense variant does not alter protein structure/function; Observed in individuals with a personal history of breast cancer and other cancers in published literature (Tung 2016, Mandelker 2017); This variant is associated with the following publications: (PMID: 26976419, 28873162, 14704354)

Illumina Laboratory Services, Illumina
Classification: Uncertain significance for Fanconi anemia complementation group O. Last evaluated: 2017-04-27. Review status: criteria provided, single submitter. Criteria: ICSL Variant Classification Criteria 13 December 2019. Collection method: clinical testing. Allele origin: germline.

Illumina Laboratory Services, Illumina
Classification: Uncertain significance for Breast-ovarian cancer, familial, susceptibility to, 3. Last evaluated: 2017-04-27. Review status: criteria provided, single submitter. Criteria: ICSL Variant Classification Criteria 13 December 2019. Collection method: clinical testing. Allele origin: germline.

Women's Health and Genetics/Laboratory Corporation of America, LabCorp
Classification: Uncertain significance. Last evaluated: 2016-10-06. Review status: criteria provided, single submitter. Criteria: LabCorp Variant Classification Summary - May 2015. Collection method: clinical testing. Allele origin: germline.
Comment: Variant summary: The RAD51C c.601C>G (p.Leu201Val) variant causes a missense change involving a non-conserved nucleotide with 3/4 in silico tools (SNPs&GO not captured here due to low reliability index) predict a benign outcome, although these predictions have yet to be functionally assessed. The variant of interest was observed in the large, broad control population, ExAC, with an allele frequency of 2/121042 (1/60521), which does not exceed the estimated maximal expected allele frequency for a pathogenic RAD51C variant of 1/16000. A publication cites the variant in an affected individual with a classification of "unknown significance." Reputable databases and clinical diagnositic laboratories have not, to our knowledge, cited the variant of interest. Therefore, until additional clinical and/or functional studies become available, the variant of interest has been classified as a "Variant of Uncertain Significance (VUS)."

Literature cited by the submitters: PubMed 26976419 (cited by 3 submitters); PubMed 28873162 (cited by Labcorp Genetics (formerly Invitae), Labcorp and Color Diagnostics, LLC DBA Color Health).